The following is an entry in ClinVar:

ClinVar aggregate classification (germline): Conflicting classifications of pathogenicity. Review status: criteria provided, conflicting classifications (1 of 4 stars). 3 submissions from 3 submitters: Uncertain significance (1); Likely benign (1). 1 of the submissions does not count toward it. Last evaluated 2023-11-05.

Conditions:
DNAI1-related disorder. Also called: DNAI1-related condition.
Primary ciliary dyskinesia. Also called: Ciliary dyskinesia. Identifiers: Orphanet 244, MedGen C0008780, MONDO:0016575, HP:0012265.
Kartagener syndrome (CILD1). Also called: CILIARY DYSKINESIA, PRIMARY, 1, WITH OR WITHOUT SITUS INVERSUS; IMMOTILE CILIA SYNDROME; SIEWERT SYNDROME; POLYNESIAN BRONCHIECTASIS; CILIARY DYSKINESIA, PRIMARY, 1; Dextrocardia bronchiectasis and sinusitis. Identifiers: Orphanet 244, MedGen C4551906, MONDO:0009484, OMIM 244400.

Allele frequency attached by ClinVar (database versions not stated): gnomAD exomes below 0.00001 and 0.00001; TOPMed below 0.00001; ExAC 0.00001; gnomAD 0.00001.
gnomAD v4.1: 7 of 1,613,942 alleles (0.00043%); highest among the groups gnomAD compares: Non-Finnish European, 0.00059%; no homozygotes.

Submissions (3):

Labcorp Genetics (formerly Invitae), Labcorp
Classification: Likely benign for Primary ciliary dyskinesia. Last evaluated: 2023-11-05. Review status: criteria provided, single submitter. Criteria: Invitae Variant Classification Sherloc (09022015). Collection method: clinical testing. Allele origin: germline.

Illumina Laboratory Services, Illumina
Classification: Uncertain significance for Kartagener syndrome. Last evaluated: 2018-01-13. Review status: criteria provided, single submitter. Criteria: ICSL Variant Classification Criteria 13 December 2019. Collection method: clinical testing. Allele origin: germline.

PreventionGenetics, part of Exact Sciences
Classification: Likely benign for DNAI1-related condition. Last evaluated: 2022-08-01. Review status: no assertion criteria provided. Collection method: clinical testing. Allele origin: germline. Not counted in ClinVar's aggregate classification.
Comment: This variant is classified as likely benign based on ACMG/AMP sequence variant interpretation guidelines (Richards et al. 2015 PMID: 25741868, with internal and published modifications).

NM_012144.4(DNAI1):c.169T>C (p.Leu57=)

Gene: DNAI1 (dynein axonemal intermediate chain 1; plus strand). Cytogenetic location: 9p13.3.
Variant type: single nucleotide variant.
Coding change: c.169T>C on transcript NM_012144.4 (MANE Select); coding-DNA position 169, T replaced by C.
Protein change: p.Leu57=; no amino-acid change (leucine 57 retained).
Molecular consequence: synonymous variant.
Genome position (GRCh38, 1-based): chr9:34,485,229, T>C. VCF-style: chr9-34485229-T-C. GRCh37 (hg19) VCF-style: chr9-34485227-T-C.
Other names: c.169T>C, p.Leu57= (NM_001281428.2).
Identifiers: ClinVar variation 366684 (VCV000366684.15), dbSNP rs779175158, ClinGen allele CA5033941.